The following is an entry in ClinVar:

NM_001170629.2(CHD8):c.4268A>G (p.Glu1423Gly)

Gene: CHD8 (chromodomain helicase DNA binding protein 8; minus strand). Cytogenetic location: 14q11.2.
Variant type: single nucleotide variant.
Coding change: c.4268A>G on transcript NM_001170629.2 (MANE Select); coding-DNA position 4268, A replaced by G.
Protein change: p.Glu1423Gly; replaces glutamic acid 1423 with glycine.
Molecular consequence: missense variant.
Genome position (GRCh38, 1-based): chr14:21,400,977, T>C on the plus strand (A>G on the coding strand, the complement: CHD8 is on the minus strand). VCF-style: chr14-21400977-T-C. GRCh37 (hg19) VCF-style: chr14-21869136-T-C.
Other names: c.3431A>G, p.Glu1144Gly (NM_020920.4); short protein forms E1144G, E1423G.
Identifiers: ClinVar variation 4839783 (VCV004839783.1).

ClinVar aggregate classification (germline): Uncertain significance (1 of 4 stars; one submission).

Conditions:
Inborn genetic diseases. Identifiers: MedGen C0950123, MeSH D030342.

gnomAD v4.1: 1 of 1,614,052 alleles (0.000062%); highest among the groups gnomAD compares: Non-Finnish European, 0.000085%; no homozygotes.

Submission:

Ambry Genetics
Classification: Uncertain significance for Inborn genetic diseases. Last evaluated: 2026-01-26. Review status: criteria provided, single submitter. Criteria: Ambry Variant Classification Scheme 2023. Collection method: clinical testing. Allele origin: germline.
Comment: The c.4268A>G (p.E1423G) alteration is located in exon 21 (coding exon 21) of the CHD8 gene. This alteration results from an A to G substitution at nucleotide position 4268, causing the glutamic acid (E) at amino acid position 1423 to be replaced by a glycine (G). This variant was not reported in population-based cohorts in the Genome Aggregation Database (gnomAD). This amino acid position is well conserved in available vertebrate species. The in silico prediction for this alteration is inconclusive. Based on insufficient or conflicting evidence, the clinical significance of this alteration remains unclear.